The following is an entry in ClinVar:

ClinVar aggregate classification (germline): Pathogenic. Review status: criteria provided, multiple submitters, no conflicts (2 of 4 stars). 4 submissions from 4 submitters: Pathogenic (2). 2 of the submissions do not count toward it. Last evaluated 2023-01-19.

Conditions:
X-linked severe combined immunodeficiency (SCIDX1). Also called: IMMUNODEFICIENCY 4; T-B+ severe combined immunodeficiency due to gamma chain deficiency; SCID, X-LINKED; SEVERE COMBINED IMMUNODEFICIENCY, X-LINKED, T CELL-NEGATIVE, B CELL-POSITIVE, NK CELL-NEGATIVE; X-Linked Combined Immunodeficiency Diseases. Identifiers: Orphanet 276, MedGen C6022468, MONDO:0010315, OMIM 300400. Disease mechanism: loss of function.
IL2RG-related disorders.

Submissions (4):

Labcorp Genetics (formerly Invitae), Labcorp
Classification: Pathogenic for X-linked severe combined immunodeficiency. Last evaluated: 2023-01-19. Review status: criteria provided, single submitter. Criteria: Invitae Variant Classification Sherloc (09022015). Collection method: clinical testing. Allele origin: germline.
Comment: For these reasons, this variant has been classified as Pathogenic. This premature translational stop signal has been observed in individual(s) with IL2RG-related conditions (PMID: 34134972). This variant is not present in population databases (gnomAD no frequency). This sequence change creates a premature translational stop signal (p.Ile273Serfs*20) in the IL2RG gene. It is expected to result in an absent or disrupted protein product. Loss-of-function variants in IL2RG are known to be pathogenic (PMID: 9058718, 10794430).

Blueprint Genetics
Classification: Pathogenic for IL2RG-related disorders. Last evaluated: 2020-03-06. Review status: criteria provided, single submitter. Criteria: ACMG Guidelines, 2015. Collection method: clinical testing. Allele origin: germline. Affected: yes. Observed: 1 variant allele.

Clinical Genetics DNA and cytogenetics Diagnostics Lab, Erasmus MC, Erasmus Medical Center
Classification: Pathogenic. Review status: no assertion criteria provided. Collection method: clinical testing. Allele origin: germline. Affected: yes. Study: VKGL Data-share Consensus. Not counted in ClinVar's aggregate classification.

Diagnostic Laboratory, Department of Genetics, University Medical Center Groningen
Classification: Pathogenic. Review status: no assertion criteria provided. Collection method: clinical testing. Allele origin: germline. Affected: yes. Study: VKGL Data-share Consensus. Not counted in ClinVar's aggregate classification.

Literature cited by the submitters: PubMed 34134972 (cited by Labcorp Genetics (formerly Invitae), Labcorp); PubMed 9058718 (cited by Labcorp Genetics (formerly Invitae), Labcorp); PubMed 10794430 (cited by Labcorp Genetics (formerly Invitae), Labcorp).

NM_000206.3(IL2RG):c.816_819del (p.Ile273fs)

Gene: IL2RG (interleukin 2 receptor subunit gamma; minus strand). Cytogenetic location: Xq13.1.
Variant type: Microsatellite.
Coding change: c.816_819del on transcript NM_000206.3 (MANE Select); coding-DNA positions 816 to 819, 4 bases deleted (GATT; older notation c.816_819delGATT).
Protein change: p.Ile273fs; shifts the reading frame from isoleucine 273.
Molecular consequence: frameshift variant.
Genome position (GRCh38, 1-based): chrX:71,108,634-71,108,637, AATC deleted on the plus strand (GATT on the coding strand, the reverse complement: IL2RG is on the minus strand); deleting any 4 consecutive bases within chrX:71,108,634-71,108,641 gives the same sequence; the c. name uses the placement nearest the transcript's 3' end. VCF-style (leftmost placement, unchanged base first): chrX-71108633-TAATC-T. GRCh37 (hg19) VCF-style: chrX-70328483-TAATC-T.
Other names: short protein forms I273fs.
Identifiers: ClinVar variation 1175096 (VCV001175096.8), dbSNP rs2147747375, ClinGen allele CA2579638278.
Genomic context (GRCh38, chrX:71,108,633, plus strand): 5'-TTTTTCTGGGCTTCTCCAAATCTCACCGTTCCAGCCAGAAATACACACAGAGAAGGCTGA[TAATC>T]AATCCCATGGAGCCAACAGAGATAACCACGGCTTCCAATGCAAACAGGAAAGGATTCTCT-3'